The following is an entry in ClinVar:

NM_000548.5(TSC2):c.4641C>T (p.Val1547=)

Gene: TSC2 (TSC complex subunit 2; plus strand). Cytogenetic location: 16p13.3.
Variant type: single nucleotide variant.
Coding change: c.4641C>T on transcript NM_000548.5 (MANE Select); coding-DNA position 4641, C replaced by T.
Protein change: p.Val1547=; no amino-acid change (valine 1547 retained).
Molecular consequence: synonymous variant.
Genome position (GRCh38, 1-based): chr16:2,085,301, C>T. VCF-style: chr16-2085301-C-T. GRCh37 (hg19) VCF-style: chr16-2135302-C-T.
Other names: c.4440C>T, p.Val1480= (NM_001077183.3); c.4572C>T, p.Val1524= (NM_001114382.3); c.4332C>T, p.Val1444= (NM_001318827.2); c.4296C>T, p.Val1432= (NM_001318829.2); c.3909C>T, p.Val1303= (NM_001318831.2); c.4473C>T, p.Val1491= (NM_001318832.2); c.4443C>T, p.Val1481= (NM_001363528.2); c.4509C>T, p.Val1503= (NM_001370404.1); and 1 more.
Identifiers: ClinVar variation 413636 (VCV000413636.14), dbSNP rs1060504087, ClinGen allele CA16614802.

ClinVar aggregate classification (germline): Benign/Likely benign. Review status: criteria provided, multiple submitters, no conflicts (2 of 4 stars). 4 submissions from 4 submitters: Benign (1); Likely benign (3). Last evaluated 2025-06-04.

Conditions:
Hereditary cancer-predisposing syndrome. Also called: Tumor predisposition; Neoplastic Syndromes, Hereditary; Hereditary Cancer Syndrome; Hereditary neoplastic syndrome. Identifiers: Orphanet 140162, MedGen C0027672, MeSH D009386, MONDO:0015356.
Tuberous sclerosis 2 (TSC2). Identifiers: Orphanet 805, MedGen C1860707, MONDO:0013199, OMIM 613254.

Allele frequency attached by ClinVar (database versions not stated): gnomAD exomes below 0.00001.
gnomAD v4.1: 3 of 1,612,762 alleles (0.00019%); highest among the groups gnomAD compares: Non-Finnish European, 0.00025%; no homozygotes.

Submissions (4):

Myriad Genetics, Inc.
Classification: Benign for Tuberous sclerosis 2. Last evaluated: 2025-06-04. Review status: criteria provided, single submitter. Criteria: Myriad Autosomal Dominant, Autosomal Recessive and X-Linked Classification Criteria (2023). Collection method: clinical testing. Allele origin: unknown.
Comment: This variant is considered benign. This variant is a silent/synonymous amino acid change and it is not expected to impact splicing.

Labcorp Genetics (formerly Invitae), Labcorp
Classification: Likely benign for Tuberous sclerosis 2. Last evaluated: 2025-06-02. Review status: criteria provided, single submitter. Criteria: Invitae Variant Classification Sherloc (09022015). Collection method: clinical testing. Allele origin: germline.

Sema4
Classification: Likely benign for Hereditary cancer-predisposing syndrome. Last evaluated: 2022-01-03. Review status: criteria provided, single submitter. Criteria: Sema4 Curation Guidelines. Collection method: curation. Allele origin: germline.

Ambry Genetics
Classification: Likely benign for Hereditary cancer-predisposing syndrome. Last evaluated: 2019-11-20. Review status: criteria provided, single submitter. Criteria: Ambry Variant Classification Scheme 2023. Collection method: clinical testing. Allele origin: germline.